The following is an entry in ClinVar:

ClinVar aggregate classification (germline): Uncertain significance (1 of 4 stars; one submission).

gnomAD v4.1: 2 of 1,609,884 alleles (0.00012%); highest among the groups gnomAD compares: African/African-American, 0.0027%; no homozygotes.

Submission:

Labcorp Genetics (formerly Invitae), Labcorp
Classification: Uncertain significance. Last evaluated: 2025-01-23. Review status: criteria provided, single submitter. Criteria: Invitae Variant Classification Sherloc (09022015). Collection method: clinical testing. Allele origin: germline.
Comment: This sequence change replaces glutamine, which is neutral and polar, with proline, which is neutral and non-polar, at codon 622 of the FOCAD protein (p.Gln622Pro). This variant is present in population databases (no rsID available, gnomAD 0.01%). This variant has not been reported in the literature in individuals affected with FOCAD-related conditions. Experimental studies and prediction algorithms are not available or were not evaluated, and the functional significance of this variant is currently unknown. In summary, the available evidence is currently insufficient to determine the role of this variant in disease. Therefore, it has been classified as a Variant of Uncertain Significance.

NM_001375567.1(FOCAD):c.1865A>C (p.Gln622Pro)

Gene: FOCAD (focadhesin; plus strand). Cytogenetic location: 9p21.3.
Variant type: single nucleotide variant.
Coding change: c.1865A>C on transcript NM_001375567.1 (MANE Select); coding-DNA position 1865, A replaced by C.
Protein change: p.Gln622Pro; replaces glutamine 622 with proline.
Molecular consequence: missense variant.
Genome position (GRCh38, 1-based): chr9:20,823,060, A>C. VCF-style: chr9-20823060-A-C. GRCh37 (hg19) VCF-style: chr9-20823059-A-C.
Other names: c.1760A>C, p.Gln587Pro (NM_001375568.1, NM_001375570.1); c.1865A>C, p.Gln622Pro (NM_017794.5); short protein forms Q622P, Q587P.
Identifiers: ClinVar variation 3632920 (VCV003632920.2).